The following is an entry in ClinVar:

ClinVar aggregate classification (germline): Uncertain significance. Review status: criteria provided, multiple submitters, no conflicts (2 of 4 stars). 3 submissions from 3 submitters: Uncertain significance (3). Last evaluated 2024-10-22.

Conditions:
Inborn genetic diseases. Identifiers: MedGen C0950123, MeSH D030342.

Allele frequency attached by ClinVar (database versions not stated): TOPMed 0.00002; ExAC 0.00003.
gnomAD v4.1: 36 of 1,613,096 alleles (0.0022%); highest among the groups gnomAD compares: Admixed American, 0.02%; no homozygotes.

Submissions (3):

Ambry Genetics
Classification: Uncertain significance for Inborn genetic diseases. Last evaluated: 2024-10-22. Review status: criteria provided, single submitter. Criteria: Ambry Variant Classification Scheme 2023. Collection method: clinical testing. Allele origin: germline.

Labcorp Genetics (formerly Invitae), Labcorp
Classification: Uncertain significance. Last evaluated: 2024-03-01. Review status: criteria provided, single submitter. Criteria: Invitae Variant Classification Sherloc (09022015). Collection method: clinical testing. Allele origin: germline.
Comment: This sequence change replaces aspartic acid, which is acidic and polar, with asparagine, which is neutral and polar, at codon 436 of the PDE6B protein (p.Asp436Asn). This variant is present in population databases (rs750045921, gnomAD 0.02%). This variant has not been reported in the literature in individuals affected with PDE6B-related conditions. ClinVar contains an entry for this variant (Variation ID: 969736). Advanced modeling of protein sequence and biophysical properties (such as structural, functional, and spatial information, amino acid conservation, physicochemical variation, residue mobility, and thermodynamic stability) has been performed at Invitae for this missense variant, however the output from this modeling did not meet the statistical confidence thresholds required to predict the impact of this variant on PDE6B protein function. In summary, the available evidence is currently insufficient to determine the role of this variant in disease. Therefore, it has been classified as a Variant of Uncertain Significance.

Blueprint Genetics
Classification: Uncertain significance. Last evaluated: 2021-08-15. Review status: criteria provided, single submitter. Criteria: ACMG Guidelines, 2015. Collection method: clinical testing. Allele origin: germline.

NM_000283.4(PDE6B):c.1306G>A (p.Asp436Asn)

Gene: PDE6B (phosphodiesterase 6B; plus strand). Cytogenetic location: 4p16.3.
Variant type: single nucleotide variant.
Coding change: c.1306G>A on transcript NM_000283.4 (MANE Select); coding-DNA position 1306, G replaced by A.
Protein change: p.Asp436Asn; replaces aspartic acid 436 with asparagine.
Molecular consequence: missense variant.
Genome position (GRCh38, 1-based): chr4:657,399, G>A. VCF-style: chr4-657399-G-A. GRCh37 (hg19) VCF-style: chr4-651188-G-A.
Other names: c.1306G>A, p.Asp436Asn (NM_001145291.2); c.469G>A, p.Asp157Asn (NM_001145292.2, NM_001350154.3, NM_001379246.1 and 1 more transcripts); c.151G>A, p.Asp51Asn (NM_001350155.3); short protein forms D51N, D157N, D436N.
Identifiers: ClinVar variation 969736 (VCV000969736.10), dbSNP rs750045921, ClinGen allele CA2794448.
Genomic context (GRCh38, chr4:657,399, plus strand): 5'-CATCCCCTCCAGTCCCTGACACAGTTCCTGGGCTGGTCAGTGATGAACACCGACACCTAC[G>A]ACAAGATGAACAAGCTGGAGAACCGCAAGGACATCGCACAGGACATGGTCCTTTACCACG-3'
Protein context (NP_000274.3, residues 426-446): GWSVMNTDTY[Asp436Asn]KMNKLENRKD